The following is an entry in ClinVar:

ClinVar aggregate classification (germline): Uncertain significance (1 of 4 stars; one submission).

Conditions:
Cardiovascular phenotype. Identifiers: MedGen CN230736.
Hereditary cancer-predisposing syndrome. Also called: Tumor predisposition; Hereditary neoplastic syndrome; Neoplastic Syndromes, Hereditary; Hereditary Cancer Syndrome. Identifiers: Orphanet 140162, MedGen C0027672, MeSH D009386, MONDO:0015356.

Submission:

Ambry Genetics
Classification: Uncertain significance for Cardiovascular phenotype; Hereditary cancer-predisposing syndrome. Last evaluated: 2025-04-29. Review status: criteria provided, single submitter. Criteria: Ambry Variant Classification Scheme 2023. Collection method: clinical testing. Allele origin: germline.
Comment: The p.C2113S variant (also known as c.6337T>A), located in coding exon 41 of the NF1 gene, results from a T to A substitution at nucleotide position 6337. The cysteine at codon 2113 is replaced by serine, an amino acid with dissimilar properties. This amino acid position is conserved. In addition, this alteration is predicted to be deleterious by in silico analysis. Based on the available evidence, the clinical significance of this variant remains unclear.

NM_001042492.3(NF1):c.6400T>A (p.Cys2134Ser)

Gene: NF1 (neurofibromin 1; plus strand). Cytogenetic location: 17q11.2.
Variant type: single nucleotide variant.
Coding change: c.6400T>A on transcript NM_001042492.3 (MANE Select); coding-DNA position 6400, T replaced by A.
Protein change: p.Cys2134Ser; replaces cysteine 2134 with serine.
Molecular consequence: missense variant.
Genome position (GRCh38, 1-based): chr17:31,336,887, T>A. VCF-style: chr17-31336887-T-A. GRCh37 (hg19) VCF-style: chr17-29663905-T-A.
Other names: c.6337T>A, p.Cys2113Ser (NM_000267.4); short protein forms C2113S, C2134S.
Identifiers: ClinVar variation 4025591 (VCV004025591.1).
Genomic context (GRCh38, chr17:31,336,887, plus strand): 5'-GGTCCGCTCTCCCTTAGAGCTTCCACACATGGACTGGTCATTAATATCATTCACTCTCTG[T>A]GTACTTGTTCACAGCTTCATTTTAGTGGTAAGTTCTAGGAAAGGAATTTGTGTTTACCAG-3'
Protein context (NP_001035957.1, residues 2124-2144): GLVINIIHSL[Cys2134Ser]TCSQLHFSEE